The following is an entry in ClinVar:

ClinVar aggregate classification (germline): Uncertain significance (1 of 4 stars; one submission).

Conditions:
Long QT syndrome (LQTS). Identifiers: MedGen C0023976, MeSH D008133, MONDO:0002442. Disease mechanism: loss of function. Inheritance: Various modes of inheritance.

Submission:

Labcorp Genetics (formerly Invitae), Labcorp
Classification: Uncertain significance for Long QT syndrome. Last evaluated: 2023-10-26. Review status: criteria provided, single submitter. Criteria: Invitae Variant Classification Sherloc (09022015). Collection method: clinical testing. Allele origin: germline.
Comment: This sequence change affects codon 799 of the KCNH2 mRNA. It is a 'silent' change, meaning that it does not change the encoded amino acid sequence of the KCNH2 protein. It affects a nucleotide within the consensus splice site. This variant is not present in population databases (gnomAD no frequency). This variant has not been reported in the literature in individuals affected with KCNH2-related conditions. Algorithms developed to predict the effect of sequence changes on RNA splicing suggest that this variant is not likely to affect RNA splicing. In summary, the available evidence is currently insufficient to determine the role of this variant in disease. Therefore, it has been classified as a Variant of Uncertain Significance.

NM_000238.4(KCNH2):c.2397G>C (p.Leu799=)

Gene: KCNH2 (potassium voltage-gated channel subfamily H member 2; minus strand). Cytogenetic location: 7q36.1.
Variant type: single nucleotide variant.
Coding change: c.2397G>C on transcript NM_000238.4 (MANE Select); coding-DNA position 2397, G replaced by C.
Protein change: p.Leu799=; no amino-acid change (leucine 799 retained).
Molecular consequence: synonymous variant. On other transcripts: non-coding transcript variant (2).
Genome position (GRCh38, 1-based): chr7:150,950,169, C>G on the plus strand (G>C on the coding strand, the complement: KCNH2 is on the minus strand). VCF-style: chr7-150950169-C-G. GRCh37 (hg19) VCF-style: chr7-150647257-C-G.
Other names: c.1377G>C, p.Leu459= (NM_001204798.2, NM_172057.3); c.2109G>C, p.Leu703= (NM_001406753.1, NM_001406756.1); c.2220G>C, p.Leu740= (NM_001406755.1); c.2097G>C, p.Leu699= (NM_001406757.1); c.2397G>C, p.Leu799= (NM_172056.3).
Identifiers: ClinVar variation 2770984 (VCV002770984.3), dbSNP rs2486024143, ClinGen allele CA458871089.